The following is an entry in ClinVar:

ClinVar aggregate classification (germline): Uncertain significance (1 of 4 stars; one submission).

Conditions:
Nephrotic syndrome, type 2 (NPHS2). Also called: NEPHROTIC SYNDROME, STEROID-RESISTANT, AUTOSOMAL RECESSIVE. Identifiers: Orphanet 656, MedGen C1868672, MONDO:0010974, OMIM 600995.

Submission:

3billion
Classification: Uncertain significance for Nephrotic syndrome, type 2. Last evaluated: 2025-09-29. Review status: criteria provided, single submitter. Criteria: ACMG Guidelines, 2015. Collection method: clinical testing. Allele origin: germline. Affected: yes.
Comment: The variant is not observed in the gnomAD v4.1.0 dataset. Predicted Consequence/Location: Intron variant In silico tools predict the variant to alter splicing and produce an abnormal transcript [SpliceAI: 0.59 (>=0.2, moderate evidence for spliceogenicity)]. Therefore, this variant is classified as VUS according to the recommendation of ACMG/AMP guideline.

NM_014625.4(NPHS2):c.451+4A>T

Gene: NPHS2 (NPHS2 stomatin family member, podocin; minus strand). Cytogenetic location: 1q25.2.
Variant type: single nucleotide variant.
Coding change: c.451+4A>T on transcript NM_014625.4 (MANE Select); 4 bases into the intron after coding-DNA position 451, A replaced by T.
Molecular consequence: intron variant.
Genome position (GRCh38, 1-based): chr1:179,561,285, T>A on the plus strand (A>T on the coding strand, the complement: NPHS2 is on the minus strand). VCF-style: chr1-179561285-T-A. GRCh37 (hg19) VCF-style: chr1-179530420-T-A.
Other names: c.451+4A>T (NM_001297575.2).
Identifiers: ClinVar variation 4854103 (VCV004854103.1).
Genomic context (GRCh38, chr1:179,561,285, plus strand): 5'-CATGGGTTGAAGAAATTGGCAAGTCAGGAGAGAGGTGTTTAGAAAAAAAAGAGTGTTTTT[T>A]TACCAGGGCCTTTGGCTCTTCCAGGAAGCAGATGTCCCAGTCGGAATATAATTACTCTTT-3'